The following is an entry in ClinVar:

ClinVar aggregate classification (germline): Uncertain significance. Review status: criteria provided, multiple submitters, no conflicts (2 of 4 stars). 3 submissions from 3 submitters: Uncertain significance (3). Last evaluated 2025-10-07.

Conditions:
Tumor predisposition syndrome 3 (TPDS3). Also called: Glioma susceptibility 9; LONG TELOMERE SYNDROME, POT1-RELATED; POT1 Tumor Predisposition; Melanoma, cutaneous malignant, susceptibility to, 10. Identifiers: Orphanet 618, MedGen C4014476, MONDO:0014368, OMIM 615848.
Hereditary cancer-predisposing syndrome. Also called: Hereditary neoplastic syndrome; Hereditary Cancer Syndrome; Neoplastic Syndromes, Hereditary; Tumor predisposition. Identifiers: Orphanet 140162, MedGen C0027672, MeSH D009386, MONDO:0015356.

Submissions (3):

Labcorp Genetics (formerly Invitae), Labcorp
Classification: Uncertain significance for Tumor predisposition syndrome 3. Last evaluated: 2025-10-07. Review status: criteria provided, single submitter. Criteria: Invitae Variant Classification Sherloc (09022015). Collection method: clinical testing. Allele origin: germline.
Comment: This sequence change replaces tyrosine, which is neutral and polar, with histidine, which is basic and polar, at codon 360 of the POT1 protein (p.Tyr360His). This variant is not present in population databases (gnomAD no frequency). This variant has not been reported in the literature in individuals affected with POT1-related conditions. ClinVar contains an entry for this variant (Variation ID: 475018). Invitae Evidence Modeling of protein sequence and biophysical properties (such as structural, functional, and spatial information, amino acid conservation, physicochemical variation, residue mobility, and thermodynamic stability) indicates that this missense variant is not expected to disrupt POT1 protein function with a negative predictive value of 80%. In summary, the available evidence is currently insufficient to determine the role of this variant in disease. Therefore, it has been classified as a Variant of Uncertain Significance.

Quest Diagnostics Nichols Institute San Juan Capistrano
Classification: Uncertain significance. Last evaluated: 2025-06-02. Review status: criteria provided, single submitter. Criteria: Quest Diagnostics criteria. Collection method: clinical testing. Allele origin: unknown.
Comment: The POT1 c.1078T>C (p.Tyr360His) variant has not been reported in individuals with POT1-related conditions in the published literature. It also has not been reported in large, multi-ethnic general populations (Genome Aggregation Database). Analysis of this variant using bioinformatics tools for the prediction of the effect of amino acid changes on protein structure and function yielded conflicting predictions that this variant is benign or damaging. Based on the available information, we are unable to determine the clinical significance of this variant.

Ambry Genetics
Classification: Uncertain significance for Hereditary cancer-predisposing syndrome. Last evaluated: 2023-12-05. Review status: criteria provided, single submitter. Criteria: Ambry Variant Classification Scheme 2023. Collection method: clinical testing. Allele origin: germline.
Comment: The p.Y360H variant (also known as c.1078T>C), located in coding exon 9 of the POT1 gene, results from a T to C substitution at nucleotide position 1078. The tyrosine at codon 360 is replaced by histidine, an amino acid with similar properties. This amino acid position is highly conserved in available vertebrate species. In addition, the in silico prediction for this alteration is inconclusive. Since supporting evidence is limited at this time, the clinical significance of this alteration remains unclear.

NM_015450.3(POT1):c.1078T>C (p.Tyr360His)

Gene: POT1 (protection of telomeres 1; minus strand). Cytogenetic location: 7q31.33.
Variant type: single nucleotide variant.
Coding change: c.1078T>C on transcript NM_015450.3 (MANE Select); coding-DNA position 1078, T replaced by C.
Protein change: p.Tyr360His; replaces tyrosine 360 with histidine.
Molecular consequence: missense variant. On other transcripts: non-coding transcript variant (3).
Genome position (GRCh38, 1-based): chr7:124,842,892, A>G on the plus strand (T>C on the coding strand, the complement: POT1 is on the minus strand). VCF-style: chr7-124842892-A-G. GRCh37 (hg19) VCF-style: chr7-124482946-A-G.
Other names: c.685T>C, p.Tyr229His (NM_001042594.2); short protein forms Y360H, Y229H.
Identifiers: ClinVar variation 475018 (VCV000475018.15), dbSNP rs1554420630, ClinGen allele CA369068404.